The following is an entry in ClinVar:

NM_003400.4(XPO1):c.2146G>T (p.Asp716Tyr)

Gene: XPO1 (exportin 1; minus strand). Cytogenetic location: 2p15.
Variant type: single nucleotide variant.
Coding change: c.2146G>T on transcript NM_003400.4 (MANE Select); coding-DNA position 2146, G replaced by T.
Protein change: p.Asp716Tyr; replaces aspartic acid 716 with tyrosine.
Molecular consequence: missense variant.
Genome position (GRCh38, 1-based): chr2:61,488,648, C>A on the plus strand (G>T on the coding strand, the complement: XPO1 is on the minus strand). VCF-style: chr2-61488648-C-A. GRCh37 (hg19) VCF-style: chr2-61715783-C-A.
Other names: c.2011G>T, p.Asp671Tyr (NM_001410799.1); short protein forms D671Y, D716Y.
Identifiers: ClinVar variation 4073403 (VCV004073403.1).

ClinVar aggregate classification (germline): Pathogenic (1 of 4 stars; one submission).

Conditions:
XPO1-associated Neurodevelopmental Disorder.

Submission:

Genome Diagnostics Laboratory, University Medical Center Utrecht
Classification: Pathogenic for XPO1-associated Neurodevelopmental Disorder. Last evaluated: 2025-07-21. Review status: criteria provided, single submitter. Criteria: ACMG Guidelines, 2015. Collection method: research. Allele origin: germline. Affected: yes.
Comment: ACMG/AMP (Richards et al, 2015): PS2, PM2, PP2, PP3